The following is an entry in ClinVar:

NM_022807.5(SNRPN):c.-390-9497_-390-228del

Genes: SNHG14 (small nucleolar RNA host gene 14; plus strand), SNRPN (small nuclear ribonucleoprotein polypeptide N; plus strand), SNURF (SNRPN upstream open reading frame; plus strand). Cytogenetic location: 15q11.2.
Variant type: Deletion.
Coding change: c.-390-9497_-390-228del on transcript NM_022807.5; 9497 bases into the intron before 390 bases upstream of the start codon through 228 bases into the intron before 390 bases upstream of the start codon, 9,270 bases deleted.
Molecular consequence: intron variant. On other transcripts: splice acceptor variant (14), splice donor variant (14).
Genome position (GRCh38, 1-based): chr15:24,952,617-24,961,886, 9,270 bases deleted. GRCh37 (hg19): chr15:25,197,764-25,207,033.
Other names: c.-390-9497_-390-228del (NM_022808.5, NM_001400637.1, NM_001349460.2 and 39 more transcripts); c.-391+1927_-390-228del (NM_001400636.1, NM_001400640.1, NM_001400641.1 and 13 more transcripts); c.-548-9497_-548-228del (NM_001378251.1); c.-521-6121_-390-228del (NM_001400649.1, NM_001400743.1, NM_001400693.1 and 7 more transcripts); c.-522+1927_-390-228del (NM_001400646.1, NM_001400701.1, NM_001400757.1); c.-240+1927_-239-228del (NM_001400698.1); c.-338-9497_-338-228del (NM_001400744.1); c.-514-9497_-514-228del (NM_001400696.1); and 7 more.
Identifiers: ClinVar variation 1697252 (VCV001697252.3), ClinGen allele CA2580089115.

ClinVar aggregate classification (germline): Pathogenic (0 of 4 stars; one submission).

Conditions:
Prader-Willi syndrome (PWS). Identifiers: Orphanet 739, MedGen C0032897, MONDO:0008300, OMIM 176270. Disease mechanism: loss of function, Microdeletion. Inheritance: Microdletion.

Submission:

Center for Medical Genetics, Keio University School of Medicine
Classification: Pathogenic for Prader-Willi syndrome. Last evaluated: 2022-07-19. Review status: no assertion criteria provided. Collection method: clinical testing. Allele origin: de novo. Inheritance: Autosomal dominant inheritance. Affected: yes. Observed: 1 heterozygote.
Comment: SNRPN is paternally expressed gene. SNRPN is disrupted in this allele.